The following is an entry in ClinVar:

ClinVar aggregate classification (germline): Pathogenic (1 of 4 stars; one submission).

Submission:

Labcorp Genetics (formerly Invitae), Labcorp
Classification: Pathogenic. Last evaluated: 2025-06-27. Review status: criteria provided, single submitter. Criteria: Invitae Variant Classification Sherloc (09022015). Collection method: clinical testing. Allele origin: germline.
Comment: This sequence change creates a premature translational stop signal (p.Leu452Phefs*39) in the MBD4 gene. It is expected to result in an absent or disrupted protein product. Loss-of-function variants in MBD4 are known to be pathogenic (PMID: 30049810, 35460607). This variant is not present in population databases (gnomAD no frequency). This variant has not been reported in the literature in individuals affected with MBD4-related conditions. Algorithms developed to predict the effect of sequence changes on RNA splicing suggest that this variant may disrupt the consensus splice site. For these reasons, this variant has been classified as Pathogenic.

Literature cited by the submitters: PubMed 30049810; PubMed 35460607.

NM_001276270.2(MBD4):c.1335del (p.Leu446fs)

Gene: MBD4 (methyl-CpG binding domain 4, DNA glycosylase; minus strand). Cytogenetic location: 3q21.3.
Variant type: Deletion.
Coding change: c.1335del on transcript NM_001276270.2 (MANE Select); coding-DNA position 1335, one base deleted (A; older notation c.1335delA).
Protein change: p.Leu446fs; shifts the reading frame from leucine 446.
Molecular consequence: frameshift variant.
Genome position (GRCh38, 1-based): chr3:129,433,908, T deleted on the plus strand (A on the coding strand, the reverse complement: MBD4 is on the minus strand). VCF-style (leftmost placement, unchanged base first): chr3-129433907-GT-G. GRCh37 (hg19) VCF-style: chr3-129152750-GT-G.
Other names: c.1353del, p.Leu452fs (NM_001276271.2, NM_001276272.2, NM_003925.3); c.399del, p.Leu134fs (NM_001276273.2); short protein forms L452fs, L134fs, L446fs.
Identifiers: ClinVar variation 4719817 (VCV004719817.1).